The following is an entry in ClinVar:

ClinVar aggregate classification (germline): Uncertain significance (1 of 4 stars; one submission).

Conditions:
Ataxia-telangiectasia syndrome (AT). Also called: LOUIS-BAR SYNDROME; Cerebello-oculocutaneous telangiectasia; Immunodeficiency with ataxia telangiectasia; Ataxia-telangiectasia, complementation group D; AT, COMPLEMENTATION GROUP C; Ataxia-telangiectasia, complementation group E. Identifiers: Orphanet 100, MedGen C0004135, MONDO:0008840, OMIM 208900.

Submission:

Labcorp Genetics (formerly Invitae), Labcorp
Classification: Uncertain significance for Ataxia-telangiectasia syndrome. Last evaluated: 2021-09-01. Review status: criteria provided, single submitter. Criteria: Invitae Variant Classification Sherloc (09022015). Collection method: clinical testing. Allele origin: germline.
Comment: This sequence change replaces arginine with threonine at codon 2191 of the ATM protein (p.Arg2191Thr). The arginine residue is highly conserved and there is a moderate physicochemical difference between arginine and threonine. This variant also falls at the last nucleotide of exon 45, which is part of the consensus splice site for this exon. This variant is not present in population databases (ExAC no frequency). This variant has not been reported in the literature in individuals affected with ATM-related conditions. ClinVar contains an entry for this variant (Variation ID: 453635). Algorithms developed to predict the effect of missense changes on protein structure and function are either unavailable or do not agree on the potential impact of this missense change (SIFT: "Tolerated"; PolyPhen-2: "Possibly Damaging"; Align-GVGD: "Class C0"). Variants that disrupt the consensus splice site are a relatively common cause of aberrant splicing (PMID: 17576681, 9536098). Algorithms developed to predict the effect of sequence changes on RNA splicing suggest that this variant may disrupt the consensus splice site. In summary, the available evidence is currently insufficient to determine the role of this variant in disease. Therefore, it has been classified as a Variant of Uncertain Significance.

Literature cited by the submitters: PubMed 17576681; PubMed 9536098.

NM_000051.4(ATM):c.6572G>C (p.Arg2191Thr)

Genes: ATM (ATM serine/threonine kinase; plus strand), C11orf65 (chromosome 11 open reading frame 65; minus strand). Cytogenetic location: 11q22.3.
Variant type: single nucleotide variant.
Coding change: c.6572G>C on transcript NM_000051.4 (MANE Select); coding-DNA position 6572, G replaced by C.
Protein change: p.Arg2191Thr; replaces arginine 2191 with threonine.
Molecular consequence: missense variant. On other transcripts: intron variant (2).
Genome position (GRCh38, 1-based): chr11:108,321,420, G>C. VCF-style: chr11-108321420-G-C. GRCh37 (hg19) VCF-style: chr11-108192147-G-C.
Other names: c.6572G>C, p.Arg2191Thr (NM_001351834.2); c.641-12349C>G (NM_001330368.2); c.*39-12349C>G (NM_001351110.2); short protein forms R2191T.
Identifiers: ClinVar variation 453635 (VCV000453635.7), dbSNP rs1196814221, ClinGen allele CA382554451.